The following is an entry in ClinVar:

ClinVar aggregate classification (germline): Uncertain significance. Review status: criteria provided, multiple submitters, no conflicts (2 of 4 stars). 3 submissions from 3 submitters: Uncertain significance (3). Last evaluated 2022-06-28.

Conditions:
Inborn genetic diseases. Identifiers: MedGen C0950123, MeSH D030342.
Bardet-Biedl syndrome (BBS). Identifiers: Orphanet 110, MedGen C0752166, MONDO:0015229.
Bardet-Biedl syndrome 7 (BBS7). Identifiers: Orphanet 110, MedGen C1859565, MONDO:0014435, OMIM 615984.

Allele frequency attached by ClinVar (database versions not stated): gnomAD 0.00002 and 0.00003; gnomAD exomes 0.00002; TOPMed 0.00002; ExAC 0.00007.
gnomAD v4.1: 26 of 1,580,692 alleles (0.0016%); highest among the groups gnomAD compares: Admixed American, 0.0051%; no homozygotes.

Submissions (3):

Labcorp Genetics (formerly Invitae), Labcorp
Classification: Uncertain significance for Bardet-Biedl syndrome. Last evaluated: 2022-06-28. Review status: criteria provided, single submitter. Criteria: Invitae Variant Classification Sherloc (09022015). Collection method: clinical testing. Allele origin: germline.
Comment: This sequence change replaces aspartic acid, which is acidic and polar, with tyrosine, which is neutral and polar, at codon 412 of the BBS7 protein (p.Asp412Tyr). The frequency data for this variant in the population databases is considered unreliable, as metrics indicate poor data quality at this position in the gnomAD database. This variant has not been reported in the literature in individuals affected with BBS7-related conditions. ClinVar contains an entry for this variant (Variation ID: 347485). Algorithms developed to predict the effect of missense changes on protein structure and function (SIFT, PolyPhen-2, Align-GVGD) all suggest that this variant is likely to be disruptive. Algorithms developed to predict the effect of sequence changes on RNA splicing suggest that this variant may disrupt the consensus splice site. In summary, the available evidence is currently insufficient to determine the role of this variant in disease. Therefore, it has been classified as a Variant of Uncertain Significance.

Ambry Genetics
Classification: Uncertain significance for Inborn genetic diseases. Last evaluated: 2022-05-11. Review status: criteria provided, single submitter. Criteria: Ambry Variant Classification Scheme 2023. Collection method: clinical testing. Allele origin: germline.

Illumina Laboratory Services, Illumina
Classification: Uncertain significance for Bardet-Biedl syndrome 7. Last evaluated: 2018-01-13. Review status: criteria provided, single submitter. Criteria: ICSL Variant Classification Criteria 13 December 2019. Collection method: clinical testing. Allele origin: germline.

NM_176824.3(BBS7):c.1234G>T (p.Asp412Tyr)

Gene: BBS7 (Bardet-Biedl syndrome 7; minus strand). Cytogenetic location: 4q27.
Variant type: single nucleotide variant.
Coding change: c.1234G>T on transcript NM_176824.3 (MANE Select); coding-DNA position 1234, G replaced by T.
Protein change: p.Asp412Tyr; replaces aspartic acid 412 with tyrosine.
Molecular consequence: missense variant.
Genome position (GRCh38, 1-based): chr4:121,843,998, C>A on the plus strand (G>T on the coding strand, the complement: BBS7 is on the minus strand). VCF-style: chr4-121843998-C-A. GRCh37 (hg19) VCF-style: chr4-122765153-C-A.
Other names: c.1234G>T, p.Asp412Tyr (NM_018190.4); short protein forms D412Y.
Identifiers: ClinVar variation 347485 (VCV000347485.8), dbSNP rs758567781, ClinGen allele CA3064286.